The following is an entry in ClinVar:

ClinVar aggregate classification (germline): Uncertain significance (1 of 4 stars; one submission).

Allele frequency attached by ClinVar (database versions not stated): gnomAD exomes 0.00001.
gnomAD v4.1: 3 of 1,613,300 alleles (0.00019%); highest among the groups gnomAD compares: Admixed American, 0.005%; no homozygotes.

Submission:

GeneDx
Classification: Uncertain significance. Last evaluated: 2022-10-17. Review status: criteria provided, single submitter. Criteria: GeneDx Variant Classification Process June 2021. Collection method: clinical testing. Allele origin: germline. Affected: yes.
Comment: Not observed at significant frequency in large population cohorts (gnomAD); In silico analysis supports that this missense variant has a deleterious effect on protein structure/function; Has not been previously published as pathogenic or benign to our knowledge

NM_006796.3(AFG3L2):c.1528G>A (p.Ala510Thr)

Gene: AFG3L2 (AFG3 like matrix AAA peptidase subunit 2; minus strand). Cytogenetic location: 18p11.21.
Variant type: single nucleotide variant.
Coding change: c.1528G>A on transcript NM_006796.3 (MANE Select); coding-DNA position 1528, G replaced by A.
Protein change: p.Ala510Thr; replaces alanine 510 with threonine.
Molecular consequence: missense variant.
Genome position (GRCh38, 1-based): chr18:12,351,109, C>T on the plus strand (G>A on the coding strand, the complement: AFG3L2 is on the minus strand). VCF-style: chr18-12351109-C-T. GRCh37 (hg19) VCF-style: chr18-12351108-C-T.
Other names: short protein forms A510T.
Identifiers: ClinVar variation 2499277 (VCV002499277.1), dbSNP rs762665023, ClinGen allele CA401951769.
Genomic context (GRCh38, chr18:12,351,109, plus strand): 5'-TGCTTCTAAATAGGGTCCTCGTTATTTTCCACTCACCTGAAAACCCTGGAGTTAAAGATG[C>T]CAGTTTTCTTGCCAATTTATCCTTCTCCAGGGTACTGTCCAGTTTTAGCGGTCGGAGATG-3'
Protein context (NP_006787.2, residues 500-520): LEKDKLARKL[Ala510Thr]SLTPGFSGAD